The following is an entry in ClinVar:

NM_000264.5(PTCH1):c.197C>G (p.Ser66Cys)

Gene: PTCH1 (patched 1; minus strand). Cytogenetic location: 9q22.32.
Variant type: single nucleotide variant.
Coding change: c.197C>G on transcript NM_000264.5 (MANE Select); coding-DNA position 197, C replaced by G.
Protein change: p.Ser66Cys; replaces serine 66 with cysteine.
Molecular consequence: missense variant. On other transcripts: non-coding transcript variant (1), intron variant (3).
Genome position (GRCh38, 1-based): chr9:95,508,165, G>C on the plus strand (C>G on the coding strand, the complement: PTCH1 is on the minus strand). VCF-style: chr9-95508165-G-C. GRCh37 (hg19) VCF-style: chr9-98270447-G-C.
Other names: c.197C>G, p.Ser66Cys (NM_001354918.2); c.199-1566C>G (NM_001083603.3); c.4-1566C>G (NM_001083602.3, NM_001354919.2); short protein forms S66C.
Identifiers: ClinVar variation 3635867 (VCV003635867.3).

ClinVar aggregate classification (germline): Uncertain significance. Review status: criteria provided, multiple submitters, no conflicts (2 of 4 stars). 2 submissions from 2 submitters: Uncertain significance (2). Last evaluated 2026-04-13.

Conditions:
Hereditary cancer-predisposing syndrome. Also called: Hereditary neoplastic syndrome; Tumor predisposition; Hereditary Cancer Syndrome; Neoplastic Syndromes, Hereditary. Identifiers: Orphanet 140162, MedGen C0027672, MeSH D009386, MONDO:0015356.
Gorlin syndrome. Also called: Basal cell nevus syndrome; Nevoid Basal Cell Carcinoma Syndrome. Identifiers: Orphanet 377, MedGen C0004779, MONDO:0007187.

gnomAD v4.1: 1 of 1,612,738 alleles (0.000062%); highest among the groups gnomAD compares: East Asian, 0.0022%; no homozygotes.

Submissions (2):

Ambry Genetics
Classification: Uncertain significance for Hereditary cancer-predisposing syndrome. Last evaluated: 2026-04-13. Review status: criteria provided, single submitter. Criteria: Ambry Variant Classification Scheme 2023. Collection method: clinical testing. Allele origin: germline.
Comment: The p.S66C variant (also known as c.197C>G), located in coding exon 1 of the PTCH1 gene, results from a C to G substitution at nucleotide position 197. The serine at codon 66 is replaced by cysteine, an amino acid with dissimilar properties. This amino acid position is conserved. In addition, the in silico prediction for this alteration is inconclusive. Based on the available evidence, the clinical significance of this variant remains unclear.

Labcorp Genetics (formerly Invitae), Labcorp
Classification: Uncertain significance for Gorlin syndrome. Last evaluated: 2024-07-06. Review status: criteria provided, single submitter. Criteria: Invitae Variant Classification Sherloc (09022015). Collection method: clinical testing. Allele origin: germline.
Comment: This sequence change replaces serine, which is neutral and polar, with cysteine, which is neutral and slightly polar, at codon 66 of the PTCH1 protein (p.Ser66Cys). This variant is not present in population databases (gnomAD no frequency). This variant has not been reported in the literature in individuals affected with PTCH1-related conditions. Advanced modeling of protein sequence and biophysical properties (such as structural, functional, and spatial information, amino acid conservation, physicochemical variation, residue mobility, and thermodynamic stability) performed at Invitae indicates that this missense variant is not expected to disrupt PTCH1 protein function with a negative predictive value of 95%. In summary, the available evidence is currently insufficient to determine the role of this variant in disease. Therefore, it has been classified as a Variant of Uncertain Significance.